The following is an entry in ClinVar:

NM_012108.4(STAP1):c.403G>A (p.Val135Ile)

Gene: STAP1 (signal transducing adaptor family member 1; plus strand). Cytogenetic location: 4q13.2.
Variant type: single nucleotide variant.
Coding change: c.403G>A on transcript NM_012108.4 (MANE Select); coding-DNA position 403, G replaced by A.
Protein change: p.Val135Ile; replaces valine 135 with isoleucine.
Molecular consequence: missense variant.
Genome position (GRCh38, 1-based): chr4:67,581,344, G>A. VCF-style: chr4-67581344-G-A. GRCh37 (hg19) VCF-style: chr4-68447062-G-A.
Other names: c.403G>A, p.Val135Ile (NM_001317769.2); short protein forms V135I.
Identifiers: ClinVar variation 3962934 (VCV003962934.1).

ClinVar aggregate classification (germline): Uncertain significance (1 of 4 stars; one submission).

gnomAD v4.1: 2 of 1,613,854 alleles (0.00012%); highest among the groups gnomAD compares: Non-Finnish European, 0.000085%; no homozygotes.

Submission:

Ambry Genetics
Classification: Uncertain significance. Last evaluated: 2025-05-02. Review status: criteria provided, single submitter. Criteria: Ambry Variant Classification Scheme 2023. Collection method: clinical testing. Allele origin: germline.
Comment: The p.V135I variant (also known as c.403G>A), located in coding exon 5 of the STAP1 gene, results from a G to A substitution at nucleotide position 403. The valine at codon 135 is replaced by isoleucine, an amino acid with highly similar properties. This amino acid position is conserved. In addition, this alteration is predicted to be tolerated by in silico analysis. Based on the available evidence, the clinical significance of this variant remains unclear.